The following is an entry in ClinVar:

NM_007247.6(SYNRG):c.2769del (p.Ser924fs)

Genes: SYNRG (synergin gamma; minus strand), LOC126862546 (MED14-independent group 3 enhancer GRCh37_chr17:35901785-35902984; plus strand). Cytogenetic location: 17q12.
Variant type: Deletion.
Coding change: c.2769del on transcript NM_007247.6 (MANE Select); coding-DNA position 2769, one base deleted (C; older notation c.2769delC).
Protein change: p.Ser924fs; shifts the reading frame from serine 924.
Molecular consequence: frameshift variant.
Genome position (GRCh38, 1-based): chr17:37,542,405, G deleted on the plus strand (C on the coding strand, the reverse complement: SYNRG is on the minus strand); the first of 2 consecutive G bases (chr17:37,542,405-37,542,406); deleting either gives the same sequence. VCF-style (leftmost placement, unchanged base first): chr17-37542404-AG-A. GRCh37 (hg19) VCF-style: chr17-35902506-AG-A.
Other names: c.2535del, p.Ser846fs (NM_001163544.3, NM_080550.5, NM_198882.3); c.2532del, p.Ser845fs (NM_001163545.3); c.2400del, p.Ser801fs (NM_001163546.3); c.2151del, p.Ser718fs (NM_001163547.3); c.3072del, p.Ser1025fs (NM_001405103.1); short protein forms S1025fs, S924fs, S718fs, S845fs, S846fs, S801fs.
Identifiers: ClinVar variation 4982045 (VCV004982045.1).

ClinVar aggregate classification (germline): Uncertain significance (1 of 4 stars; one submission).

Conditions:
SYNRG-related disorder. Also called: SYNRG-related condition.

Submission:

PreventionGenetics, part of Exact Sciences
Classification: Uncertain significance for SYNRG-related condition. Last evaluated: 2025-09-25. Review status: criteria provided, single submitter. Criteria: ACMG Guidelines, 2015. Collection method: clinical testing. Allele origin: germline.
Comment: The SYNRG c.2769delC variant is predicted to result in a frameshift and premature protein termination (p.Ser924Glnfs*18). To our knowledge, this variant has not been reported in the literature or in a large population database (gnomAD), indicating this variant is rare. At this time, the clinical significance of this variant is uncertain due to the absence of conclusive functional and genetic evidence.